The following is an entry in ClinVar:

NM_002691.4(POLD1):c.1242+1_1242+8del

Gene: POLD1 (DNA polymerase delta 1, catalytic subunit; plus strand). Cytogenetic location: 19q13.33.
Variant type: Deletion.
Coding change: c.1242+1_1242+8del on transcript NM_002691.4 (MANE Select); the canonical splice donor site of the intron after coding-DNA position 1242 through 8 bases into the intron after coding-DNA position 1242, 8 bases deleted (GTGAGGGC; older notation c.1242+1_1242+8delGTGAGGGC).
Molecular consequence: splice donor variant.
Genome position (GRCh38, 1-based): chr19:50,403,598-50,403,605, GTGAGGGC deleted. VCF-style (leftmost placement, unchanged base first): chr19-50403597-GGTGAGGGC-G. GRCh37 (hg19) VCF-style: chr19-50906854-GGTGAGGGC-G.
Other names: c.1242+1_1242+8del (LRG_785t1, LRG_785t2, NM_001256849.1 and 1 more transcripts).
Identifiers: ClinVar variation 645607 (VCV000645607.10), dbSNP rs1483927657, ClinGen allele CA883217220.

ClinVar aggregate classification (germline): Uncertain significance (1 of 4 stars; one submission).

Conditions:
POLD1-related polyposis and colorectal cancer syndrome (CRCS10). Also called: Colorectal cancer, susceptibility to, 10; Colorectal cancer 10; COLORECTAL CANCER, SUSCEPTIBILITY TO, ON CHROMOSOME 19q. Identifiers: Orphanet 220460, MedGen C2675481, MONDO:0012953, OMIM 612591.

Submission:

Labcorp Genetics (formerly Invitae), Labcorp
Classification: Uncertain significance for POLD1-related polyposis and colorectal cancer syndrome. Last evaluated: 2021-06-17. Review status: criteria provided, single submitter. Criteria: Invitae Variant Classification Sherloc (09022015). Collection method: clinical testing. Allele origin: germline.
Comment: Algorithms developed to predict the effect of sequence changes on RNA splicing suggest that this variant may disrupt the consensus splice site, but this prediction has not been confirmed by published transcriptional studies. Missense variants that disrupt the 3'-5' exonuclease (proof-reading) activity of the POLD1 protein, while not abolishing its polymerase enzyme activity, are associated with an increased risk for colonic adenomatous polyps and colon cancer (PMID: 23263490, 23447401). Loss-of-function variants, which result in an absent or severely disrupted POLD1 protein, are therefore unlikely to be associated with disease. Without further clinical and genetic evidence, however, this variant has been classified as a Variant of Uncertain Significance. This variant has not been reported in the literature in individuals with POLD1-related conditions. ClinVar contains an entry for this variant (Variation ID: 645607). This sequence change affects a donor splice site in intron 10 of the POLD1 gene. It is expected to disrupt RNA splicing and likely results in an absent or disrupted protein product. This variant is not present in population databases (ExAC no frequency).

Literature cited by the submitters: PubMed 23263490; PubMed 23447401.